The following is an entry in ClinVar:

ClinVar aggregate classification (germline): Uncertain significance (1 of 4 stars; one submission).

gnomAD v4.1: 10 of 1,573,794 alleles (0.00064%); highest among the groups gnomAD compares: Non-Finnish European, 0.00077%; no homozygotes.

Submission:

Athena Diagnostics
Classification: Uncertain significance. Last evaluated: 2025-07-02. Review status: criteria provided, single submitter. Criteria: Athena Diagnostics Criteria. Collection method: clinical testing. Allele origin: unknown.
Comment: Available data are insufficient to determine the clinical significance of the variant at this time. The frequency of this variant in the general population is uninformative in assessment of its pathogenicity. Polyphen and MutationTaster yielded discordant predictions regarding whether this amino acid change is damaging to the protein.

NM_000435.3(NOTCH3):c.4292T>G (p.Leu1431Arg)

Gene: NOTCH3 (notch receptor 3; minus strand). Cytogenetic location: 19p13.12.
Variant type: single nucleotide variant.
Coding change: c.4292T>G on transcript NM_000435.3 (MANE Select); coding-DNA position 4292, T replaced by G.
Protein change: p.Leu1431Arg; replaces leucine 1431 with arginine.
Molecular consequence: missense variant.
Genome position (GRCh38, 1-based): chr19:15,177,636, A>C on the plus strand (T>G on the coding strand, the complement: NOTCH3 is on the minus strand). VCF-style: chr19-15177636-A-C. GRCh37 (hg19) VCF-style: chr19-15288447-A-C.
Other names: short protein forms L1431R.
Identifiers: ClinVar variation 4682280 (VCV004682280.1).